The following is an entry in ClinVar:

NM_022552.5(DNMT3A):c.639+6G>C

Gene: DNMT3A (DNA methyltransferase 3 alpha; minus strand). Cytogenetic location: 2p23.3.
Variant type: single nucleotide variant.
Coding change: c.639+6G>C on transcript NM_022552.5 (MANE Select); 6 bases into the intron after coding-DNA position 639, G replaced by C.
Molecular consequence: intron variant.
Genome position (GRCh38, 1-based): chr2:25,274,935, C>G on the plus strand (G>C on the coding strand, the complement: DNMT3A is on the minus strand). VCF-style: chr2-25274935-C-G. GRCh37 (hg19) VCF-style: chr2-25497804-C-G.
Other names: c.639+6G>C (NM_175629.2).
Identifiers: ClinVar variation 662257 (VCV000662257.12), dbSNP rs559534512, ClinGen allele CA1556420.

ClinVar aggregate classification (germline): Conflicting classifications of pathogenicity. Review status: criteria provided, conflicting classifications (1 of 4 stars). 3 submissions from 3 submitters: Uncertain significance (1); Likely benign (1). 1 of the submissions does not count toward it. Last evaluated 2025-03-17.

Conditions:
Tatton-Brown-Rahman overgrowth syndrome. Also called: Tall stature-intellectual disability-facial dysmorphism syndrome; Tatton-Brown-Rahman syndrome. Identifiers: Orphanet 404443, MedGen C4014545, MONDO:0014382, OMIM 615879.
DNMT3A-related disorder. Also called: DNMT3A-related condition; DNMT3A-related disorders.

Allele frequency attached by ClinVar (database versions not stated): TOPMed 0.00024; gnomAD 0.00025.
gnomAD v4.1: 50 of 1,605,746 alleles (0.0031%); highest among the groups gnomAD compares: African/African-American, 0.06%; no homozygotes.

Submissions (3):

Labcorp Genetics (formerly Invitae), Labcorp
Classification: Uncertain significance for Tatton-Brown-Rahman overgrowth syndrome. Last evaluated: 2025-03-17. Review status: criteria provided, single submitter. Criteria: Invitae Variant Classification Sherloc (09022015). Collection method: clinical testing. Allele origin: germline.
Comment: This sequence change falls in intron 6 of the DNMT3A gene. It does not directly change the encoded amino acid sequence of the DNMT3A protein. It affects a nucleotide within the consensus splice site. This variant is present in population databases (rs559534512, gnomAD 0.07%), and has an allele count higher than expected for a pathogenic variant. This variant has not been reported in the literature in individuals affected with DNMT3A-related conditions. ClinVar contains an entry for this variant (Variation ID: 662257). Variants that disrupt the consensus splice site are a relatively common cause of aberrant splicing (PMID: 17576681, 9536098). Algorithms developed to predict the effect of sequence changes on RNA splicing suggest that this variant is not likely to affect RNA splicing. In summary, the available evidence is currently insufficient to determine the role of this variant in disease. Therefore, it has been classified as a Variant of Uncertain Significance.

GeneDx
Classification: Likely benign. Last evaluated: 2021-03-02. Review status: criteria provided, single submitter. Criteria: GeneDx Variant Classification Process June 2021. Collection method: clinical testing. Allele origin: germline. Affected: yes.

PreventionGenetics, part of Exact Sciences
Classification: Likely benign for DNMT3A-related condition. Last evaluated: 2019-05-24. Review status: no assertion criteria provided. Collection method: clinical testing. Allele origin: germline. Not counted in ClinVar's aggregate classification.
Comment: This variant is classified as likely benign based on ACMG/AMP sequence variant interpretation guidelines (Richards et al. 2015 PMID: 25741868, with internal and published modifications).

Literature cited by the submitters: PubMed 17576681 (cited by Labcorp Genetics (formerly Invitae), Labcorp); PubMed 9536098 (cited by Labcorp Genetics (formerly Invitae), Labcorp).